The following is an entry in ClinVar:

NM_024753.5(TTC21B):c.2823T>G (p.Cys941Trp)

Gene: TTC21B (tetratricopeptide repeat domain 21B; minus strand). Cytogenetic location: 2q24.3.
Variant type: single nucleotide variant.
Coding change: c.2823T>G on transcript NM_024753.5 (MANE Select); coding-DNA position 2823, T replaced by G.
Protein change: p.Cys941Trp; replaces cysteine 941 with tryptophan.
Molecular consequence: missense variant.
Genome position (GRCh38, 1-based): chr2:165,899,815, A>C on the plus strand (T>G on the coding strand, the complement: TTC21B is on the minus strand). VCF-style: chr2-165899815-A-C. GRCh37 (hg19) VCF-style: chr2-166756325-A-C.
Other names: short protein forms C941W.
Identifiers: ClinVar variation 5000862 (VCV005000862.1).

ClinVar aggregate classification (germline): Uncertain significance (1 of 4 stars; one submission).

Conditions:
TTC21B-related disorder. Also called: TTC21B-related disorders; TTC21B-related condition.

gnomAD v4.1: 7 of 1,614,038 alleles (0.00043%); highest among the groups gnomAD compares: Non-Finnish European, 0.00059%; no homozygotes.

Submission:

PreventionGenetics, part of Exact Sciences
Classification: Uncertain significance for TTC21B-related condition. Last evaluated: 2026-02-03. Review status: criteria provided, single submitter. Criteria: ACMG Guidelines, 2015. Collection method: clinical testing. Allele origin: germline.
Comment: The TTC21B c.2823T>G variant is predicted to result in the amino acid substitution p.Cys941Trp. To our knowledge, this variant has not been reported in the literature. This variant is reported in 0.00088% of alleles in individuals of European (Non-Finnish) descent in gnomAD. At this time, the clinical significance of this variant is uncertain due to the absence of conclusive functional and genetic evidence.